The following is an entry in ClinVar:

NM_000487.6(ARSA):c.251C>T (p.Pro84Leu)

Gene: ARSA (arylsulfatase A; minus strand). Cytogenetic location: 22q13.33.
Variant type: single nucleotide variant.
Coding change: c.251C>T on transcript NM_000487.6 (MANE Select); coding-DNA position 251, C replaced by T.
Protein change: p.Pro84Leu; replaces proline 84 with leucine.
Molecular consequence: missense variant. On other transcripts: 5 prime UTR variant (2).
Genome position (GRCh38, 1-based): chr22:50,627,380, G>A on the plus strand (C>T on the coding strand, the complement: ARSA is on the minus strand). VCF-style: chr22-50627380-G-A. GRCh37 (hg19) VCF-style: chr22-51065808-G-A.
Other names: c.251C>T, p.Pro84Leu (NM_001085425.3, NM_001085426.3, NM_001085427.3); c.-8C>T (NM_001085428.3, NM_001362782.2); short protein forms P84L.
Identifiers: ClinVar variation 556430 (VCV000556430.27), dbSNP rs6151411, ClinGen allele CA10325074.

ClinVar aggregate classification (germline): Conflicting classifications of pathogenicity. Review status: criteria provided, conflicting classifications (1 of 4 stars). 10 submissions from 10 submitters: Pathogenic (5); Likely pathogenic (3); Uncertain significance (1). 1 of the submissions does not count toward it. Last evaluated 2026-04-19.

Conditions:
Metachromatic leukodystrophy (MLD). Also called: Cerebral sclerosis diffuse metachromatic form; Arylsulfatase A Deficiency; ARSA DEFICIENCY; CEREBROSIDE SULFATASE DEFICIENCY; METACHROMATIC LEUKOENCEPHALOPATHY; SULFATIDE LIPIDOSIS. Identifiers: Orphanet 512, MedGen C0023522, MONDO:0018868, OMIM 250100.

Allele frequency attached by ClinVar (database versions not stated): gnomAD 0.00002; ExAC 0.00004; gnomAD exomes 0.00001 and 0.00002; TOPMed 0.00002.
gnomAD v4.1: 15 of 1,606,416 alleles (0.00093%); highest among the groups gnomAD compares: African/African-American, 0.0013%; no homozygotes.

Submissions (11):

Institute of Medical Genetics and Applied Genomics, University Hospital Tübingen
Classification: Pathogenic for Metachromatic leukodystrophy. Last evaluated: 2026-04-19. Review status: criteria provided, single submitter. Criteria: ACMG Guidelines, 2015. Collection method: clinical testing. Allele origin: germline. Inheritance: Autosomal recessive inheritance. Affected: yes.
Comment: second pathogenic variant present

Labcorp Genetics (formerly Invitae), Labcorp
Classification: Pathogenic for Metachromatic leukodystrophy. Last evaluated: 2024-12-04. Review status: criteria provided, single submitter. Criteria: Invitae Variant Classification Sherloc (09022015). Collection method: clinical testing. Allele origin: germline.
Comment: This sequence change replaces proline, which is neutral and non-polar, with leucine, which is neutral and non-polar, at codon 84 of the ARSA protein (p.Pro84Leu). This variant is present in population databases (rs6151411, gnomAD 0.004%). This missense change has been observed in individual(s) with metachromatic leukodystrophy (PMID: 18786133, 28762252, 31694723). ClinVar contains an entry for this variant (Variation ID: 556430). Invitae Evidence Modeling of protein sequence and biophysical properties (such as structural, functional, and spatial information, amino acid conservation, physicochemical variation, residue mobility, and thermodynamic stability) indicates that this missense variant is expected to disrupt ARSA protein function with a positive predictive value of 95%. This variant disrupts the p.Pro84 amino acid residue in ARSA. Other variant(s) that disrupt this residue have been observed in individuals with ARSA-related conditions (PMID: 30057904), which suggests that this may be a clinically significant amino acid residue. For these reasons, this variant has been classified as Pathogenic.

GeneDx
Classification: Pathogenic. Last evaluated: 2024-09-27. Review status: criteria provided, single submitter. Criteria: GeneDx Variant Classification Process June 2021. Collection method: clinical testing. Allele origin: germline. Affected: yes.
Comment: Published functional studies demonstrate a damaging effect: severely decreased arylsulfatase A enzyme activity (PMID: 37480112); Not observed at significant frequency in large population cohorts (gnomAD); In silico analysis supports that this missense variant has a deleterious effect on protein structure/function; Also known as c.245 C>T; p.P82L; This variant is associated with the following publications: (PMID: 27261095, 33855715, 37212343, 31967741, 37480112, 31694723, 7581401, 28762252, 18786133, 32632536)

Fulgent Genetics
Classification: Likely pathogenic for Metachromatic leukodystrophy. Last evaluated: 2024-04-25. Review status: criteria provided, single submitter. Criteria: ACMG Guidelines, 2015. Collection method: clinical testing. Allele origin: germline.

Natera, Inc.
Classification: Likely pathogenic for Metachromatic leukodystrophy. Last evaluated: 2024-04-25. Review status: criteria provided, single submitter. Criteria: Natera Variant Classification Schema (03/2026). Collection method: clinical testing. Allele origin: germline.
Comment: The c.251C>T variant in ARSA is a missense variant predicted to cause substitution of proline to leucine at amino acid 84. This variant is rare in the general population with a frequency below the threshold expected for the associated phenotype(s). This variant has been observed in one or more individuals affected with the associated recessive disease, as either homozygous or compound heterozygous with a second variant (PMID: 36240581, 18786133, 37212343). Computational prediction algorithms indicate this variant is likely to affect gene or protein function. Given the available evidence, this variant is classified as Likely Pathogenic.

Blueprint Genetics
Classification: Uncertain significance. Last evaluated: 2023-06-15. Review status: criteria provided, single submitter. Criteria: ACMG Guidelines, 2015. Collection method: clinical testing. Allele origin: germline.

Women's Health and Genetics/Laboratory Corporation of America, LabCorp
Classification: Pathogenic for Metachromatic leukodystrophy. Last evaluated: 2022-05-12. Review status: criteria provided, single submitter. Criteria: LabCorp Variant Classification Summary - May 2015. Collection method: clinical testing. Allele origin: germline.
Comment: Variant summary: ARSA c.251C>T (p.Pro84Leu) results in a non-conservative amino acid change located in the Sulfatase, N-terminal domain (IPR000917) of the encoded protein sequence. Five of five in-silico tools predict a damaging effect of the variant on protein function. The variant allele was found at a frequency of 1.7e-05 in 229438 control chromosomes (gnomAD). c.251C>T has been reported in the literature in multiple compound heterozygous individuals affected with Metachromatic Leukodystrophy (e.g. Biffi_2008, van Rappard_2016, Bohringer_2017, Hettiarachchi_2019, Beeerepoot_2020). These data indicate that the variant is very likely to be associated with disease. To our knowledge, no experimental evidence demonstrating an impact on protein function has been reported. Four ClinVar submitters have assessed the variant since 2014: three classified the variant as of uncertain significance and one as likely pathogenic. Based on the evidence outlined above, the variant was classified as pathogenic.

Revvity Omics, Revvity
Classification: Likely pathogenic for Metachromatic leukodystrophy. Last evaluated: 2021-01-26. Review status: criteria provided, single submitter. Criteria: ACMG Guidelines, 2015. Collection method: clinical testing. Allele origin: germline.

Juno Genomics, Hangzhou Juno Genomics, Inc
Classification: Pathogenic for Metachromatic leukodystrophy. Review status: criteria provided, single submitter. Criteria: ACMG Guidelines, 2015. Collection method: clinical testing. Allele origin: germline.
Comment: Absent from controls (or at extremely low frequency if recessive) in Genome Aggregation Database.;Multiple lines of computational evidence support a deleterious effect on the gene or gene product.;For recessive disorders, detected in trans with a pathogenic variant.;Patient's phenotype or family history is highly specific for a disease with a single genetic etiology.

Counsyl
Classification: Uncertain significance for Metachromatic leukodystrophy. Last evaluated: 2018-02-05. Review status: no assertion criteria provided. Collection method: clinical testing. Allele origin: unknown. Not counted in ClinVar's aggregate classification.

Gelb Laboratory, University of Washington
No classification provided (evidence only). Condition: Metachromatic leukodystrophy. Review status: no classification provided. Collection method: in vitro. Allele origin: not applicable. Functional consequence: loss of function. Not counted in ClinVar's aggregate classification.

Literature cited by the submitters: PubMed 18786133 (cited by 4 submitters); PubMed 28762252 (cited by 3 submitters); PubMed 31694723 (cited by Labcorp Genetics (formerly Invitae), Labcorp and Women's Health and Genetics/Laboratory Corporation of America, LabCorp); PubMed 30057904 (cited by Labcorp Genetics (formerly Invitae), Labcorp); PubMed 36240581 (cited by Natera, Inc.); PubMed 37212343 (cited by Natera, Inc.); PubMed 7581401 (cited by Women's Health and Genetics/Laboratory Corporation of America, LabCorp and Counsyl); PubMed 33855715 (cited by Women's Health and Genetics/Laboratory Corporation of America, LabCorp); PubMed 32632536 (cited by Women's Health and Genetics/Laboratory Corporation of America, LabCorp); PubMed 27261095 (cited by Women's Health and Genetics/Laboratory Corporation of America, LabCorp); PubMed 17438611 (cited by Counsyl).